The following is an entry in ClinVar:

ClinVar aggregate classification (germline): Conflicting classifications of pathogenicity. Review status: criteria provided, conflicting classifications (1 of 4 stars). 4 submissions from 4 submitters: Uncertain significance (3); Likely benign (1). Last evaluated 2025-11-12.

Conditions:
Hereditary cancer-predisposing syndrome. Also called: Tumor predisposition; Hereditary Cancer Syndrome; Hereditary neoplastic syndrome; Neoplastic Syndromes, Hereditary. Identifiers: Orphanet 140162, MedGen C0027672, MeSH D009386, MONDO:0015356.
Hereditary breast ovarian cancer syndrome. Also called: Breast and ovarian cancer; Hereditary breast and ovarian cancer; Hereditary breast and/or ovarian cancer syndrome; BRCA1- and BRCA2-Associated Hereditary Breast and Ovarian Cancer; Hereditary breast and ovarian cancer syndrome (HBOC); Hereditary breast and ovarian cancer syndrome. Identifiers: Orphanet 145, MedGen C0677776, MeSH D061325, MONDO:0003582. Disease mechanism: loss of function.

Allele frequency attached by ClinVar (database versions not stated): gnomAD exomes below 0.00001; TOPMed 0.00001.
gnomAD v4.1: 1 of 1,599,358 alleles (0.000063%); highest among the groups gnomAD compares: South Asian, 0.0011%; no homozygotes.

Submissions (4):

Ambry Genetics
Classification: Uncertain significance for Hereditary cancer-predisposing syndrome. Last evaluated: 2025-11-12. Review status: criteria provided, single submitter. Criteria: Ambry Variant Classification Scheme 2023. Collection method: clinical testing. Allele origin: germline.
Comment: The p.L2167S variant (also known as c.6500T>C), located in coding exon 10 of the BRCA2 gene, results from a T to C substitution at nucleotide position 6500. The leucine at codon 2167 is replaced by serine, an amino acid with dissimilar properties. This amino acid position is not well conserved in available vertebrate species. In addition, this alteration is predicted to be tolerated by in silico analysis. Based on the available evidence, the clinical significance of this variant remains unclear.

Labcorp Genetics (formerly Invitae), Labcorp
Classification: Uncertain significance for Hereditary breast ovarian cancer syndrome. Last evaluated: 2025-03-16. Review status: criteria provided, single submitter. Criteria: Invitae Variant Classification Sherloc (09022015). Collection method: clinical testing. Allele origin: germline.
Comment: This sequence change replaces leucine, which is neutral and non-polar, with serine, which is neutral and polar, at codon 2167 of the BRCA2 protein (p.Leu2167Ser). This variant is not present in population databases (gnomAD no frequency). This missense change has been observed in individual(s) with breast cancer (PMID: 30362333). ClinVar contains an entry for this variant (Variation ID: 182225). Invitae Evidence Modeling of protein sequence and biophysical properties (such as structural, functional, and spatial information, amino acid conservation, physicochemical variation, residue mobility, and thermodynamic stability) indicates that this missense variant is not expected to disrupt BRCA2 protein function with a negative predictive value of 95%. In summary, the available evidence is currently insufficient to determine the role of this variant in disease. Therefore, it has been classified as a Variant of Uncertain Significance.

University of Washington Department of Laboratory Medicine, University of Washington
Classification: Likely benign for Hereditary cancer-predisposing syndrome. Last evaluated: 2023-03-23. Review status: criteria provided, single submitter. Criteria: Dines et al. (Genet Med. 2020). Collection method: curation. Allele origin: germline.
Comment: Missense variant in a coldspot region where missense variants are very unlikely to be pathogenic (PMID:31911673).

BRCA2 exon 11 coldspot. Reclassification based on statistical prior probability.

GeneDx
Classification: Uncertain significance. Last evaluated: 2014-05-09. Review status: criteria provided, single submitter. Criteria: GeneDx Variant Classification (06012015). Collection method: clinical testing. Allele origin: germline. Affected: yes.
Comment: This variant is denoted BRCA2 c.6500T>C at the cDNA level, p.Leu2167Ser (L2167S) at the protein level, and results in the change of a Leucine to a Serine (TTA>TCA). This variant has not, to our knowledge, been published in the literature as pathogenic or benign. BRCA2 Leu2167Ser was not observed in approximately 6,500 individuals of European and African American ancestry in the NHLBI Exome Sequencing Project, indicating it is not a common benign variant in these populations. Since Leucine and Serine differ in polarity, charge, size or other properties, this is considered a non-conservative amino acid substitution. BRCA2 Leu2167Ser occurs at a position that is moderately conserved across species and is not located in a known functional domain. In silico analyses predict that this variant is unlikely to alter protein structure or function. Based on currently available information, it is unclear whether BRCA2 Leu2167Ser is pathogenic or benign. We consider it to be a variant of uncertain significance.

Literature cited by the submitters: PubMed 30362333 (cited by Labcorp Genetics (formerly Invitae), Labcorp).

NM_000059.4(BRCA2):c.6500T>C (p.Leu2167Ser)

Gene: BRCA2 (BRCA2 DNA repair associated; plus strand). Cytogenetic location: 13q13.1.
Variant type: single nucleotide variant.
Coding change: c.6500T>C on transcript NM_000059.4 (MANE Select); coding-DNA position 6500, T replaced by C.
Protein change: p.Leu2167Ser; replaces leucine 2167 with serine.
Molecular consequence: missense variant.
Genome position (GRCh38, 1-based): chr13:32,340,855, T>C. VCF-style: chr13-32340855-T-C. GRCh37 (hg19) VCF-style: chr13-32914992-T-C.
Other names: p.L2167S:TTA>TCA; short protein forms L2167S.
Identifiers: ClinVar variation 182225 (VCV000182225.12), dbSNP rs730881543, ClinGen allele CA024119.
Genomic context (GRCh38, chr13:32,340,855, plus strand): 5'-ACTCTATTAAAGTTTCTCCATATCTCTCTCAATTTCAACAAGACAAACAACAGTTGGTAT[T>C]AGGAACCAAAGTGTCACTTGTTGAGAACATTCATGTTTTGGGAAAAGAACAGGCTTCACC-3'
Protein context (NP_000050.3, residues 2157-2177): QFQQDKQQLV[Leu2167Ser]GTKVSLVENI